The following is an entry in ClinVar:

NM_015338.6(ASXL1):c.400G>T (p.Ala134Ser)

Gene: ASXL1 (ASXL transcriptional regulator 1; plus strand). Cytogenetic location: 20q11.21.
Variant type: single nucleotide variant.
Coding change: c.400G>T on transcript NM_015338.6 (MANE Select); coding-DNA position 400, G replaced by T.
Protein change: p.Ala134Ser; replaces alanine 134 with serine.
Molecular consequence: missense variant.
Genome position (GRCh38, 1-based): chr20:32,428,351, G>T. VCF-style: chr20-32428351-G-T. GRCh37 (hg19) VCF-style: chr20-31016154-G-T.
Other names: c.370G>T, p.Ala124Ser (NM_001363734.1); short protein forms A124S, A134S.
Identifiers: ClinVar variation 3955026 (VCV003955026.1).

ClinVar aggregate classification (germline): Uncertain significance (1 of 4 stars; one submission).

Conditions:
Inborn genetic diseases. Identifiers: MedGen C0950123, MeSH D030342.

Submission:

Ambry Genetics
Classification: Uncertain significance for Inborn genetic diseases. Last evaluated: 2025-03-20. Review status: criteria provided, single submitter. Criteria: Ambry Variant Classification Scheme 2023. Collection method: clinical testing. Allele origin: germline.
Comment: The p.A134S variant (also known as c.400G>T), located in coding exon 6 of the ASXL1 gene, results from a G to T substitution at nucleotide position 400. The alanine at codon 134 is replaced by serine, an amino acid with similar properties. This amino acid position is conserved. In addition, this alteration is predicted to be tolerated by in silico analysis. Based on the available evidence, the clinical significance of this variant remains unclear.